The following is an entry in ClinVar:

ClinVar aggregate classification (germline): Pathogenic. Review status: criteria provided, multiple submitters, no conflicts (2 of 4 stars). 3 submissions from 3 submitters: Pathogenic (3). Last evaluated 2025-04-30.

Conditions:
Hereditary cancer-predisposing syndrome. Also called: Neoplastic Syndromes, Hereditary; Tumor predisposition; Hereditary neoplastic syndrome; Hereditary Cancer Syndrome. Identifiers: Orphanet 140162, MedGen C0027672, MeSH D009386, MONDO:0015356.
Breast-ovarian cancer, familial, susceptibility to, 4. Identifiers: Orphanet 145, MedGen C3280345, MONDO:0013669, OMIM 614291.

Submissions (3):

Labcorp Genetics (formerly Invitae), Labcorp
Classification: Pathogenic for Breast-ovarian cancer, familial, susceptibility to, 4. Last evaluated: 2025-04-30. Review status: criteria provided, single submitter. Criteria: Invitae Variant Classification Sherloc (09022015). Collection method: clinical testing. Allele origin: germline.
Comment: This sequence change creates a premature translational stop signal (p.Tyr72*) in the RAD51D gene. It is expected to result in an absent or disrupted protein product. Loss-of-function variants in RAD51D are known to be pathogenic (PMID: 21822267). This variant is not present in population databases (gnomAD no frequency). This premature translational stop signal has been observed in individual(s) with breast and/or ovarian cancer (PMID: 31125277). ClinVar contains an entry for this variant (Variation ID: 3148160). Algorithms developed to predict the effect of sequence changes on RNA splicing suggest that this variant may disrupt the consensus splice site. For these reasons, this variant has been classified as Pathogenic.

Ambry Genetics
Classification: Pathogenic for Hereditary cancer-predisposing syndrome. Last evaluated: 2024-01-11. Review status: criteria provided, single submitter. Criteria: Ambry Variant Classification Scheme 2023. Collection method: clinical testing. Allele origin: germline.
Comment: The p.Y72* pathogenic mutation (also known as c.216C>G), located in coding exon 3 of the RAD51D gene, results from a C to G substitution at nucleotide position 216. This changes the amino acid from a tyrosine to a stop codon within coding exon 3. This alteration is expected to result in loss of function by premature protein truncation or nonsense-mediated mRNA decay. As such, this alteration is interpreted as a disease-causing mutation.

Myriad Genetics, Inc.
Classification: Pathogenic for Breast-ovarian cancer, familial, susceptibility to, 4. Last evaluated: 2024-01-04. Review status: criteria provided, single submitter. Criteria: Myriad Autosomal Dominant, Autosomal Recessive and X-Linked Classification Criteria (2023). Collection method: clinical testing. Allele origin: unknown.
Comment: This variant is considered pathogenic. This variant creates a termination codon and is predicted to result in premature protein truncation.

Literature cited by the submitters: PubMed 21822267 (cited by Labcorp Genetics (formerly Invitae), Labcorp); PubMed 31125277 (cited by Labcorp Genetics (formerly Invitae), Labcorp).

NM_002878.4(RAD51D):c.216C>G (p.Tyr72Ter)

Genes: RAD51L3-RFFL (RAD51L3-RFFL readthrough; minus strand), RAD51D (RAD51 paralog D; minus strand). Cytogenetic location: 17q12.
Variant type: single nucleotide variant.
Coding change: c.216C>G on transcript NM_002878.4 (MANE Select); coding-DNA position 216, C replaced by G.
Protein change: p.Tyr72Ter; replaces tyrosine 72 with a stop codon.
Molecular consequence: nonsense. On other transcripts: intron variant (2).
Genome position (GRCh38, 1-based): chr17:35,118,548, G>C on the plus strand (C>G on the coding strand, the complement: RAD51D is on the minus strand). VCF-style: chr17-35118548-G-C. GRCh37 (hg19) VCF-style: chr17-33445567-G-C.
Other names: c.144+563C>G (NM_133629.3, NM_001142571.2); short protein forms Y72*.
Identifiers: ClinVar variation 3148160 (VCV003148160.2), dbSNP rs148690585, ClinGen allele CA399091294.
Genomic context (GRCh38, chr17:35,118,548, plus strand): 5'-TACACACACAAACCTGCCAATGCCAGTGGACAGGATGGCAGTGGAGGTCTTCAGTTCCTC[G>C]TAGAGATCAGCGCCATTCACGGGGAAAGCCGAGAACTGAGCCAGCAGCACCCGCCTCAGG-3'